The following is an entry in ClinVar:

ClinVar aggregate classification (germline): Benign (1 of 4 stars; one submission).

Allele frequency attached by ClinVar (database versions not stated): gnomAD 0.49232 and 0.47681; TOPMed 0.47687; 1000 Genomes Project 0.59645; 1000 Genomes Project 30x 0.58339; gnomAD exomes 0.44200.
gnomAD v4.1: 178,210 of 385,492 alleles (46%); highest among the groups gnomAD compares: East Asian, 94%; 43,905 homozygotes.

Submission:

GeneDx
Classification: Benign. Last evaluated: 2018-06-18. Review status: criteria provided, single submitter. Criteria: GeneDx Variant Classification (06012015). Collection method: clinical testing. Allele origin: germline. Affected: yes.
Comment: This variant is considered likely benign or benign based on one or more of the following criteria: it is a conservative change, it occurs at a poorly conserved position in the protein, it is predicted to be benign by multiple in silico algorithms, and/or has population frequency not consistent with disease.

NM_001144997.2(ITGA7):c.85+3900G>T

Gene: ITGA7 (integrin subunit alpha 7; minus strand). Cytogenetic location: 12q13.2.
Variant type: single nucleotide variant.
Coding change: c.85+3900G>T on transcript NM_001144997.2; 3900 bases into the intron after coding-DNA position 85, G replaced by T.
Molecular consequence: intron variant.
Genome position (GRCh38, 1-based): chr12:55,708,163, C>A on the plus strand (G>T on the coding strand, the complement: ITGA7 is on the minus strand). VCF-style: chr12-55708163-C-A. GRCh37 (hg19) VCF-style: chr12-56101947-C-A.
Other names: c.-134+3900G>T (NM_001367993.1, NM_001414035.1).
Identifiers: ClinVar variation 683646 (VCV000683646.3), dbSNP rs3915761, ClinGen allele CA16445142.
Genomic context (GRCh38, chr12:55,708,163, plus strand): 5'-GGCGCTCTCCTCCCCTTCTCCCCCAACCCCATCCCCACCCCGGGAGTGGTGGAGGCGGCG[C>A]CTTGGAATGCGGAGGGAGAGAAGTACAGATAGAAAGAGAGGGGCTGAAACAGAGGAAGGA-3'